The following is an entry in ClinVar:

ClinVar aggregate classification (germline): Uncertain significance (1 of 4 stars; one submission).

Conditions:
Joubert syndrome 8 (JBTS8). Identifiers: Orphanet 475, MedGen C2676771, MONDO:0012855, OMIM 612291.

Allele frequency attached by ClinVar (database versions not stated): ExAC 0.00001.
gnomAD v4.1: 2 of 1,600,518 alleles (0.00012%); highest among the groups gnomAD compares: Non-Finnish European, 0.000086%; no homozygotes.

Submission:

Labcorp Genetics (formerly Invitae), Labcorp
Classification: Uncertain significance for Joubert syndrome 8. Last evaluated: 2024-12-03. Review status: criteria provided, single submitter. Criteria: Invitae Variant Classification Sherloc (09022015). Collection method: clinical testing. Allele origin: germline.
Comment: This sequence change replaces proline, which is neutral and non-polar, with alanine, which is neutral and non-polar, at codon 378 of the ARL13B protein (p.Pro378Ala). This variant is present in population databases (rs770186628, gnomAD no frequency). This variant has not been reported in the literature in individuals affected with ARL13B-related conditions. ClinVar contains an entry for this variant (Variation ID: 2157303). Invitae Evidence Modeling of protein sequence and biophysical properties (such as structural, functional, and spatial information, amino acid conservation, physicochemical variation, residue mobility, and thermodynamic stability) indicates that this missense variant is not expected to disrupt ARL13B protein function with a negative predictive value of 80%. In summary, the available evidence is currently insufficient to determine the role of this variant in disease. Therefore, it has been classified as a Variant of Uncertain Significance.

NM_001174150.2(ARL13B):c.1132C>G (p.Pro378Ala)

Gene: ARL13B (ARF like GTPase 13B; plus strand). Cytogenetic location: 3q11.2.
Variant type: single nucleotide variant.
Coding change: c.1132C>G on transcript NM_001174150.2 (MANE Select); coding-DNA position 1132, C replaced by G.
Protein change: p.Pro378Ala; replaces proline 378 with alanine.
Molecular consequence: missense variant. On other transcripts: non-coding transcript variant (2).
Genome position (GRCh38, 1-based): chr3:94,049,513, C>G. VCF-style: chr3-94049513-C-G. GRCh37 (hg19) VCF-style: chr3-93768357-C-G.
Other names: c.823C>G, p.Pro275Ala (NM_001174151.2); c.1087C>G, p.Pro363Ala (NM_001321328.2); c.1132C>G, p.Pro378Ala (NM_001410782.1, NM_182896.3); c.811C>G, p.Pro271Ala (NM_144996.4); short protein forms P271A, P363A, P275A, P378A.
Identifiers: ClinVar variation 2157303 (VCV002157303.4), dbSNP rs770186628, ClinGen allele CA2504267.